The following is an entry in ClinVar:

NM_022047.4(DEF6):c.584G>A (p.Arg195Gln)

Gene: DEF6 (DEF6 guanine nucleotide exchange factor; plus strand). Cytogenetic location: 6p21.31.
Variant type: single nucleotide variant.
Coding change: c.584G>A on transcript NM_022047.4 (MANE Select); coding-DNA position 584, G replaced by A.
Protein change: p.Arg195Gln; replaces arginine 195 with glutamine.
Molecular consequence: missense variant.
Genome position (GRCh38, 1-based): chr6:35,312,462, G>A. VCF-style: chr6-35312462-G-A. GRCh37 (hg19) VCF-style: chr6-35280239-G-A.
Other names: c.584G>A (NM_022047.3); short protein forms R195Q.
Identifiers: ClinVar variation 1449938 (VCV001449938.8), dbSNP rs766125119, ClinGen allele CA3770751.
Genomic context (GRCh38, chr6:35,312,462, plus strand): 5'-CCACCGGGGGGCTCAGCGTCTGGCAGTTCCTGGAGCTCTTCAATTCGGGCCGCTGCCTGC[G>A]GGGCGTGGGCCGGGACACCCTCAGCATGGCCATCCACGAGGTCTACCAGGAGCTCATCCA-3'
Protein context (NP_071330.3, residues 185-205): LELFNSGRCL[Arg195Gln]GVGRDTLSMA

ClinVar aggregate classification (germline): Uncertain significance. Review status: criteria provided, multiple submitters, no conflicts (2 of 4 stars). 2 submissions from 2 submitters: Uncertain significance (2). Last evaluated 2025-03-07.

Allele frequency attached by ClinVar (database versions not stated): gnomAD exomes 0.00001 and 0.00003; ExAC 0.00002; TOPMed 0.00002.

Submissions (2):

Ambry Genetics
Classification: Uncertain significance. Last evaluated: 2025-03-07. Review status: criteria provided, single submitter. Criteria: Ambry Variant Classification Scheme 2023. Collection method: clinical testing. Allele origin: germline.

Labcorp Genetics (formerly Invitae), Labcorp
Classification: Uncertain significance. Last evaluated: 2024-11-18. Review status: criteria provided, single submitter. Criteria: Invitae Variant Classification Sherloc (09022015). Collection method: clinical testing. Allele origin: germline.
Comment: This sequence change replaces arginine, which is basic and polar, with glutamine, which is neutral and polar, at codon 195 of the DEF6 protein (p.Arg195Gln). This variant is present in population databases (rs766125119, gnomAD 0.02%). This variant has not been reported in the literature in individuals affected with DEF6-related conditions. ClinVar contains an entry for this variant (Variation ID: 1449938). An algorithm developed to predict the effect of missense changes on protein structure and function (PolyPhen-2) suggests that this variant is likely to be disruptive. In summary, the available evidence is currently insufficient to determine the role of this variant in disease. Therefore, it has been classified as a Variant of Uncertain Significance.